The following is an entry in ClinVar:

ClinVar aggregate classification (germline): Uncertain significance. Review status: criteria provided, multiple submitters, no conflicts (2 of 4 stars). 2 submissions from 2 submitters: Uncertain significance (2). Last evaluated 2025-03-31.

Allele frequency attached by ClinVar (database versions not stated): TOPMed 0.00001; gnomAD 0.00001; ExAC 0.00001; gnomAD exomes 0.00006.
gnomAD v4.1: 87 of 1,612,992 alleles (0.0054%); highest among the groups gnomAD compares: Non-Finnish European, 0.007%; no homozygotes.

Submissions (2):

Labcorp Genetics (formerly Invitae), Labcorp
Classification: Uncertain significance. Last evaluated: 2025-03-31. Review status: criteria provided, single submitter. Criteria: Invitae Variant Classification Sherloc (09022015). Collection method: clinical testing. Allele origin: germline.
Comment: This sequence change replaces glycine, which is neutral and non-polar, with serine, which is neutral and polar, at codon 2580 of the HMCN1 protein (p.Gly2580Ser). This variant is present in population databases (rs774422270, gnomAD 0.007%). This variant has not been reported in the literature in individuals affected with HMCN1-related conditions. ClinVar contains an entry for this variant (Variation ID: 2885899). An algorithm developed to predict the effect of missense changes on protein structure and function outputs the following: PolyPhen-2: "Benign". The serine amino acid residue is found in multiple mammalian species, which suggests that this missense change does not adversely affect protein function. In summary, the available evidence is currently insufficient to determine the role of this variant in disease. Therefore, it has been classified as a Variant of Uncertain Significance.

Ambry Genetics
Classification: Uncertain significance. Last evaluated: 2024-06-02. Review status: criteria provided, single submitter. Criteria: Ambry Variant Classification Scheme 2023. Collection method: clinical testing. Allele origin: germline.

NM_031935.3(HMCN1):c.7738G>A (p.Gly2580Ser)

Gene: HMCN1 (hemicentin 1; plus strand). Cytogenetic location: 1q31.1.
Variant type: single nucleotide variant.
Coding change: c.7738G>A on transcript NM_031935.3 (MANE Select); coding-DNA position 7738, G replaced by A.
Protein change: p.Gly2580Ser; replaces glycine 2580 with serine.
Molecular consequence: missense variant.
Genome position (GRCh38, 1-based): chr1:186,067,866, G>A. VCF-style: chr1-186067866-G-A. GRCh37 (hg19) VCF-style: chr1-186036998-G-A.
Other names: c.7738G>A (NM_031935.2); short protein forms G2580S.
Identifiers: ClinVar variation 2885899 (VCV002885899.4), dbSNP rs774422270, ClinGen allele CA1292934.